The following is an entry in ClinVar:

NM_001009944.3(PKD1):c.12853A>G (p.Thr4285Ala)

Gene: PKD1 (polycystin 1, transient receptor potential channel interacting; minus strand). Cytogenetic location: 16p13.3.
Variant type: single nucleotide variant.
Coding change: c.12853A>G on transcript NM_001009944.3 (MANE Select); coding-DNA position 12853, A replaced by G.
Protein change: p.Thr4285Ala; replaces threonine 4285 with alanine.
Molecular consequence: missense variant.
Genome position (GRCh38, 1-based): chr16:2,089,786, T>C on the plus strand (A>G on the coding strand, the complement: PKD1 is on the minus strand). VCF-style: chr16-2089786-T-C. GRCh37 (hg19) VCF-style: chr16-2139787-T-C.
Other names: c.12853A>G (NM_001009944.2); c.12850A>G, p.Thr4284Ala (NM_000296.4); short protein forms T4284A, T4285A.
Identifiers: ClinVar variation 447967 (VCV000447967.4), dbSNP rs1341672915, ClinGen allele CA394319276.

ClinVar aggregate classification (germline): Uncertain significance. Review status: criteria provided, multiple submitters, no conflicts (2 of 4 stars). 4 submissions from 4 submitters: Uncertain significance (4). Last evaluated 2026-01-26.

Conditions:
PKD1-related disorder. Also called: PKD1-related condition.
Inborn genetic diseases. Identifiers: MedGen C0950123, MeSH D030342.
Polycystic kidney disease, adult type (PKD1). Also called: POLYCYSTIC KIDNEY DISEASE, ADULT, TYPE I; Polycystic Kidney Disease 1, Autosomal Dominant; Polycystic kidney disease 1; Polycystic kidney disease 1, severe; Polycystic Kidney, Autosomal Dominant; POLYCYSTIC KIDNEY DISEASE 1 WITH OR WITHOUT POLYCYSTIC LIVER DISEASE. Identifiers: MedGen C3149841, MONDO:0008263, OMIM 173900.

Allele frequency attached by ClinVar (database versions not stated): gnomAD 0.00003 and 0.00004; TOPMed 0.00008.
gnomAD v4.1: 8 of 1,597,588 alleles (0.0005%); highest among the groups gnomAD compares: Admixed American, 0.0087%; no homozygotes.

Submissions (4):

PreventionGenetics, part of Exact Sciences
Classification: Uncertain significance for PKD1-related condition. Last evaluated: 2026-01-26. Review status: criteria provided, single submitter. Criteria: ACMG Guidelines, 2015. Collection method: clinical testing. Allele origin: germline.
Comment: The PKD1 c.12853A>G variant is predicted to result in the amino acid substitution p.Thr4285Ala. To our knowledge, this variant has not been reported in the literature or in a large population database (gnomAD), indicating this variant is rare. At this time, the clinical significance of this variant is uncertain due to the absence of conclusive functional and genetic evidence.

Fulgent Genetics
Classification: Uncertain significance for Polycystic kidney disease, adult type. Last evaluated: 2024-04-16. Review status: criteria provided, single submitter. Criteria: ACMG Guidelines, 2015. Collection method: clinical testing. Allele origin: germline.

Ambry Genetics
Classification: Uncertain significance for Inborn genetic diseases. Last evaluated: 2024-03-01. Review status: criteria provided, single submitter. Criteria: Ambry Variant Classification Scheme 2023. Collection method: clinical testing. Allele origin: germline.

Athena Diagnostics
Classification: Uncertain significance. Last evaluated: 2016-11-08. Review status: criteria provided, single submitter. Criteria: Athena Diagnostics Criteria. Collection method: clinical testing. Allele origin: germline.